The following is an entry in ClinVar:

NM_080669.6(SLC46A1):c.25G>A (p.Glu9Lys)

Genes: SLC46A1 (solute carrier family 46 member 1; minus strand), LOC130060550 (ATAC-STARR-seq lymphoblastoid silent region 8340; plus strand). Cytogenetic location: 17q11.2.
Variant type: single nucleotide variant.
Coding change: c.25G>A on transcript NM_080669.6 (MANE Select); coding-DNA position 25, G replaced by A.
Protein change: p.Glu9Lys; replaces glutamic acid 9 with lysine.
Molecular consequence: missense variant.
Genome position (GRCh38, 1-based): chr17:28,406,090, C>T on the plus strand (G>A on the coding strand, the complement: SLC46A1 is on the minus strand). VCF-style: chr17-28406090-C-T. GRCh37 (hg19) VCF-style: chr17-26733108-C-T.
Other names: c.25G>A (NM_080669.4); c.25G>A, p.Glu9Lys (NM_001242366.3); short protein forms E9K.
Identifiers: ClinVar variation 3616046 (VCV003616046.3).

ClinVar aggregate classification (germline): Uncertain significance. Review status: criteria provided, multiple submitters, no conflicts (2 of 4 stars). 2 submissions from 2 submitters: Uncertain significance (2). Last evaluated 2026-04-20.

Conditions:
Inborn genetic diseases. Identifiers: MedGen C0950123, MeSH D030342.

Submissions (2):

Ambry Genetics
Classification: Uncertain significance for Inborn genetic diseases. Last evaluated: 2026-04-20. Review status: criteria provided, single submitter. Criteria: Ambry Variant Classification Scheme 2023. Collection method: clinical testing. Allele origin: germline.
Comment: The c.25G>A (p.E9K) alteration is located in exon 1 (coding exon 1) of the SLC46A1 gene. This alteration results from a G to A substitution at nucleotide position 25, causing the glutamic acid (E) at amino acid position 9 to be replaced by a lysine (K). Based on data from gnomAD, the A allele has an overall frequency of 0.001% (1/166166) total alleles studied. The highest observed frequency was 0.015% (1/6782) of African alleles. Based on insufficient or conflicting evidence, the clinical significance of this alteration remains unclear.

Labcorp Genetics (formerly Invitae), Labcorp
Classification: Uncertain significance. Last evaluated: 2025-01-27. Review status: criteria provided, single submitter. Criteria: Invitae Variant Classification Sherloc (09022015). Collection method: clinical testing. Allele origin: germline.
Comment: This sequence change replaces glutamic acid, which is acidic and polar, with lysine, which is basic and polar, at codon 9 of the SLC46A1 protein (p.Glu9Lys). This variant is present in population databases (no rsID available, gnomAD 0.01%). This variant has not been reported in the literature in individuals affected with SLC46A1-related conditions. Experimental studies and prediction algorithms are not available or were not evaluated, and the functional significance of this variant is currently unknown. In summary, the available evidence is currently insufficient to determine the role of this variant in disease. Therefore, it has been classified as a Variant of Uncertain Significance.